The following is an entry in ClinVar:

ClinVar aggregate classification (germline): Uncertain significance. Review status: criteria provided, multiple submitters, no conflicts (2 of 4 stars). 2 submissions from 2 submitters: Uncertain significance (2). Last evaluated 2023-10-13.

Conditions:
Inborn genetic diseases. Identifiers: MedGen C0950123, MeSH D030342.

Allele frequency attached by ClinVar (database versions not stated): TOPMed below 0.00001; gnomAD 0.00001; gnomAD exomes 0.00001.
gnomAD v4.1: 12 of 1,551,378 alleles (0.00077%); highest among the groups gnomAD compares: Admixed American, 0.0039%; no homozygotes.

Submissions (2):

Ambry Genetics
Classification: Uncertain significance for Inborn genetic diseases. Last evaluated: 2023-10-13. Review status: criteria provided, single submitter. Criteria: Ambry Variant Classification Scheme 2023. Collection method: clinical testing. Allele origin: germline.

Labcorp Genetics (formerly Invitae), Labcorp
Classification: Uncertain significance. Last evaluated: 2022-02-18. Review status: criteria provided, single submitter. Criteria: Invitae Variant Classification Sherloc (09022015). Collection method: clinical testing. Allele origin: germline.
Comment: This sequence change replaces arginine, which is basic and polar, with glutamine, which is neutral and polar, at codon 522 of the UNC80 protein (p.Arg522Gln). This variant is present in population databases (no rsID available, gnomAD 0.008%). This variant has not been reported in the literature in individuals affected with UNC80-related conditions. Algorithms developed to predict the effect of missense changes on protein structure and function are either unavailable or do not agree on the potential impact of this missense change (SIFT: "Not Available"; PolyPhen-2: "Probably Damaging"; Align-GVGD: "Not Available"). In summary, the available evidence is currently insufficient to determine the role of this variant in disease. Therefore, it has been classified as a Variant of Uncertain Significance.

NM_001371986.1(UNC80):c.1565G>A (p.Arg522Gln)

Gene: UNC80 (unc-80 homolog, NALCN channel complex subunit; plus strand). Cytogenetic location: 2q34.
Variant type: single nucleotide variant.
Coding change: c.1565G>A on transcript NM_001371986.1 (MANE Select); coding-DNA position 1565, G replaced by A.
Protein change: p.Arg522Gln; replaces arginine 522 with glutamine.
Molecular consequence: missense variant.
Genome position (GRCh38, 1-based): chr2:209,817,824, G>A. VCF-style: chr2-209817824-G-A. GRCh37 (hg19) VCF-style: chr2-210682548-G-A.
Other names: c.1565G>A, p.Arg522Gln (NM_032504.2, NM_182587.4); c.1565G>A (NM_032504.1); short protein forms R522Q.
Identifiers: ClinVar variation 1989966 (VCV001989966.2), dbSNP rs912759198, ClinGen allele CA64667099.